The following is an entry in ClinVar:

ClinVar aggregate classification (germline): Uncertain significance. Review status: criteria provided, multiple submitters, no conflicts (2 of 4 stars). 3 submissions from 3 submitters: Uncertain significance (3). Last evaluated 2025-08-12.

Conditions:
Inborn genetic diseases. Identifiers: MedGen C0950123, MeSH D030342.

Allele frequency attached by ClinVar (database versions not stated): gnomAD 0.00001 and 0.00003; gnomAD exomes 0.00002; TOPMed 0.00002; ExAC 0.00003; 1000 Genomes Project 30x 0.00031; 1000 Genomes Project 0.00040.
gnomAD v4.1: 29 of 1,613,894 alleles (0.0018%); highest among the groups gnomAD compares: East Asian, 0.045%; no homozygotes.

Submissions (3):

Ambry Genetics
Classification: Uncertain significance for Inborn genetic diseases. Last evaluated: 2025-08-12. Review status: criteria provided, single submitter. Criteria: Ambry Variant Classification Scheme 2023. Collection method: clinical testing. Allele origin: germline.

Blueprint Genetics
Classification: Uncertain significance. Last evaluated: 2023-06-27. Review status: criteria provided, single submitter. Criteria: ACMG Guidelines, 2015. Collection method: clinical testing. Allele origin: germline.

Laboratory for Molecular Medicine, Mass General Brigham Personalized Medicine
Classification: Uncertain significance. Last evaluated: 2018-09-12. Review status: criteria provided, single submitter. Criteria: LMM Criteria. Collection method: clinical testing. Allele origin: germline. Observed: 1 variant allele.
Comment: The p.Lys140Arg variant in TMIE has not been previously reported in individuals with hearing loss but has been identified in 3/17248 East Asian chromosomes by t he Genome Aggregation Database (gnomAD). Compu tational prediction tools and conservation analysis do not provide strong suppor t for or against an impact to the protein. In summary, the clinical significance of the p.Lys140Arg variant is uncertain. ACMG/AMP Criteria applied: PM2_Support ing.

NM_147196.3(TMIE):c.419A>G (p.Lys140Arg)

Gene: TMIE (transmembrane inner ear; plus strand). Cytogenetic location: 3p21.31.
Variant type: single nucleotide variant.
Coding change: c.419A>G on transcript NM_147196.3 (MANE Select); coding-DNA position 419, A replaced by G.
Protein change: p.Lys140Arg; replaces lysine 140 with arginine.
Molecular consequence: missense variant.
Genome position (GRCh38, 1-based): chr3:46,709,636, A>G. VCF-style: chr3-46709636-A-G. GRCh37 (hg19) VCF-style: chr3-46751126-A-G.
Other names: c.260A>G, p.Lys87Arg (NM_001370524.1, NM_001370525.1); short protein forms K87R, K140R.
Identifiers: ClinVar variation 666936 (VCV000666936.6), dbSNP rs201397940, ClinGen allele CA2358037.